The following is an entry in ClinVar:

NM_012210.4(TRIM32):c.923C>T (p.Ala308Val)

Genes: ASTN2 (astrotactin 2; minus strand), TRIM32 (tripartite motif containing 32; plus strand). Cytogenetic location: 9q33.1.
Variant type: single nucleotide variant.
Coding change: c.923C>T on transcript NM_012210.4 (MANE Select); coding-DNA position 923, C replaced by T.
Protein change: p.Ala308Val; replaces alanine 308 with valine.
Molecular consequence: missense variant. On other transcripts: intron variant (3).
Genome position (GRCh38, 1-based): chr9:116,698,665, C>T. VCF-style: chr9-116698665-C-T. GRCh37 (hg19) VCF-style: chr9-119460944-C-T.
Other names: c.923C>T, p.Ala308Val (NM_001099679.2, NM_001379048.1, NM_001379049.1 and 1 more transcripts); c.2653+27106G>A (NM_014010.5); c.2794+27106G>A (NM_001365069.1); c.2806+27106G>A (NM_001365068.1); short protein forms A308V.
Identifiers: ClinVar variation 3665017 (VCV003665017.2).

ClinVar aggregate classification (germline): Uncertain significance (1 of 4 stars; one submission).

Conditions:
Bardet-Biedl syndrome (BBS). Identifiers: Orphanet 110, MedGen C0752166, MONDO:0015229.

gnomAD v4.1: 4 of 1,614,148 alleles (0.00025%); highest among the groups gnomAD compares: Admixed American, 0.0017%; no homozygotes.

Submission:

Labcorp Genetics (formerly Invitae), Labcorp
Classification: Uncertain significance for Bardet-Biedl syndrome. Last evaluated: 2025-02-17. Review status: criteria provided, single submitter. Criteria: Invitae Variant Classification Sherloc (09022015). Collection method: clinical testing. Allele origin: germline.
Comment: This sequence change replaces alanine, which is neutral and non-polar, with valine, which is neutral and non-polar, at codon 308 of the TRIM32 protein (p.Ala308Val). This variant is present in population databases (rs778428905, gnomAD 0.003%). This variant has not been reported in the literature in individuals affected with TRIM32-related conditions. An algorithm developed to predict the effect of missense changes on protein structure and function outputs the following: PolyPhen-2: "Benign". The valine amino acid residue is found in multiple mammalian species, which suggests that this missense change does not adversely affect protein function. In summary, the available evidence is currently insufficient to determine the role of this variant in disease. Therefore, it has been classified as a Variant of Uncertain Significance.